The following is an entry in ClinVar:

NM_001365536.1(SCN9A):c.4110T>C (p.Cys1370=)

Genes: SCN9A (sodium voltage-gated channel alpha subunit 9; minus strand), SCN1A-AS1 (SCN1A and SCN9A antisense RNA 1; plus strand). Cytogenetic location: 2q24.3.
Variant type: single nucleotide variant.
Coding change: c.4110T>C on transcript NM_001365536.1 (MANE Select); coding-DNA position 4110, T replaced by C.
Protein change: p.Cys1370=; no amino-acid change (cysteine 1370 retained).
Molecular consequence: synonymous variant.
Genome position (GRCh38, 1-based): chr2:166,228,787, A>G on the plus strand (T>C on the coding strand, the complement: SCN9A is on the minus strand). VCF-style: chr2-166228787-A-G. GRCh37 (hg19) VCF-style: chr2-167085297-A-G.
Other names: c.4077T>C, p.Cys1359= (NM_002977.4).
Identifiers: ClinVar variation 285950 (VCV000285950.62), dbSNP rs199673396, ClinGen allele CA1943949.
Genomic context (GRCh38, chr2:166,228,787, plus strand): 5'-ATCAAAGTTCACTTTCAGGTTTTTCCATCGCACATTTTGACTAACATTCATAAGGGCAAA[A>G]CATTCGGAACGATTTGGAACTTGACTTGCAGGAAACCGTGACCCATCTGTGGTGTTAATA-3'
Protein context (NP_001352465.1, residues 1360-1380): PASQVPNRSE[Cys1370=]FALMNVSQNV

ClinVar aggregate classification (germline): Conflicting classifications of pathogenicity. Review status: criteria provided, conflicting classifications (1 of 4 stars). 6 submissions from 6 submitters: Uncertain significance (1); Benign (1); Likely benign (4). Last evaluated 2026-01-29.

Conditions:
Generalized epilepsy with febrile seizures plus, type 7 (GEFSP7). Also called: GEFS+, TYPE 7. Identifiers: Orphanet 36387, MedGen C2751778, MONDO:0013470, OMIM 613863.
Neuropathy, hereditary sensory and autonomic, type 2A (HSAN2A). Also called: ACROOSTEOLYSIS, GIACCAI TYPE; ACROOSTEOLYSIS, NEUROGENIC; HSAN IIA; WNK1-Related HSAN2 (HSAN2A); NEUROPATHY, HEREDITARY SENSORY RADICULAR, AUTOSOMAL RECESSIVE; MORVAN DISEASE. Identifiers: Orphanet 970, MedGen C2752089, MONDO:0024309, OMIM 201300.
Inborn genetic diseases. Identifiers: MedGen C0950123, MeSH D030342.

Allele frequency attached by ClinVar (database versions not stated): ESP Exome Variant Server 0.00016; gnomAD 0.00019 and 0.00020; gnomAD exomes 0.00019 and 0.00030; TOPMed 0.00026; ExAC 0.00033.
gnomAD v4.1: 324 of 1,613,928 alleles (0.02%); highest among the groups gnomAD compares: Middle Eastern, 1%; 8 homozygotes.

Submissions (6):

Labcorp Genetics (formerly Invitae), Labcorp
Classification: Benign for Neuropathy, hereditary sensory and autonomic, type 2A; Generalized epilepsy with febrile seizures plus, type 7. Last evaluated: 2026-01-29. Review status: criteria provided, single submitter. Criteria: Invitae Variant Classification Sherloc (09022015). Collection method: clinical testing. Allele origin: germline.

Blueprint Genetics
Classification: Likely benign. Last evaluated: 2024-11-22. Review status: criteria provided, single submitter. Criteria: ACMG Guidelines, 2015. Collection method: clinical testing. Allele origin: germline.

CeGaT Center for Human Genetics Tuebingen
Classification: Likely benign. Last evaluated: 2023-01-01. Review status: criteria provided, single submitter. Criteria: CeGaT Center For Human Genetics Tuebingen Variant Classification Criteria Version 2. Collection method: clinical testing. Allele origin: germline. Affected: yes. Observed: 3 variant alleles.
Comment: SCN9A: BP4

Ambry Genetics
Classification: Likely benign for Inborn genetic diseases. Last evaluated: 2019-07-11. Review status: criteria provided, single submitter. Criteria: Ambry Variant Classification Scheme 2023. Collection method: clinical testing. Allele origin: germline.

GeneDx
Classification: Likely benign. Last evaluated: 2018-09-10. Review status: criteria provided, single submitter. Criteria: GeneDx Variant Classification Process June 2021. Collection method: clinical testing. Allele origin: germline. Affected: yes.

Eurofins Ntd Llc (ga)
Classification: Uncertain significance. Last evaluated: 2016-01-28. Review status: criteria provided, single submitter. Criteria: EGL Classification Definitions 2015. Collection method: clinical testing. Allele origin: germline. Observed: 1 variant allele, 1 heterozygote.